The following is an entry in ClinVar:

NM_020774.4(MIB1):c.2963G>A (p.Arg988His)

Gene: MIB1 (MIB E3 ubiquitin protein ligase 1; plus strand). Cytogenetic location: 18q11.2.
Variant type: single nucleotide variant.
Coding change: c.2963G>A on transcript NM_020774.4 (MANE Select); coding-DNA position 2963, G replaced by A.
Protein change: p.Arg988His; replaces arginine 988 with histidine.
Molecular consequence: missense variant.
Genome position (GRCh38, 1-based): chr18:21,864,608, G>A. VCF-style: chr18-21864608-G-A. GRCh37 (hg19) VCF-style: chr18-19444569-G-A.
Other names: short protein forms R988H.
Identifiers: ClinVar variation 1798189 (VCV001798189.4), dbSNP rs775477290, ClinGen allele CA8908752.

ClinVar aggregate classification (germline): Uncertain significance (1 of 4 stars; one submission).

Conditions:
Inborn genetic diseases. Identifiers: MedGen C0950123, MeSH D030342.

Allele frequency attached by ClinVar (database versions not stated): TOPMed below 0.00001; ExAC 0.00004.
gnomAD v4.1: 14 of 1,613,090 alleles (0.00087%); highest among the groups gnomAD compares: Non-Finnish European, 0.0012%; no homozygotes.

Submission:

Ambry Genetics
Classification: Uncertain significance for Inborn genetic diseases. Last evaluated: 2025-07-24. Review status: criteria provided, single submitter. Criteria: Ambry Variant Classification Scheme 2023. Collection method: clinical testing. Allele origin: germline.
Comment: The p.R988H variant (also known as c.2963G>A), located in coding exon 21 of the MIB1 gene, results from a G to A substitution at nucleotide position 2963. The arginine at codon 988 is replaced by histidine, an amino acid with highly similar properties. This amino acid position is conserved. In addition, the in silico prediction for this alteration is inconclusive. Since supporting evidence is limited at this time, the clinical significance of this alteration remains unclear.